The following is an entry in ClinVar:

ClinVar aggregate classification (germline): Uncertain significance (1 of 4 stars; one submission).

Conditions:
Colorectal cancer, susceptibility to, 12 (CRCS12). Also called: COLORECTAL CANCER, SUSCEPTIBILITY TO, ON CHROMOSOME 12q24. Identifiers: Orphanet 220460, MedGen C3554460, MONDO:0014038, OMIM 615083.

Submission:

Labcorp Genetics (formerly Invitae), Labcorp
Classification: Uncertain significance for Colorectal cancer, susceptibility to, 12. Last evaluated: 2019-03-28. Review status: criteria provided, single submitter. Criteria: Invitae Variant Classification Sherloc (09022015). Collection method: clinical testing. Allele origin: germline.
Comment: This variant is a gross deletion of the genomic region encompassing exon 1 of the POLE gene, which includes the initiator codon. The 5' end of this event is unknown as it extends beyond the assayed region for this gene and therefore may encompass additional genes. The 3' boundary is likely confined to intron 1 of the POLE gene. This is expected to result in an absent or disrupted protein product. Similar deletions have not been reported in the literature in individuals with POLE-related disease. Experimental studies and prediction algorithms are not available for this variant, and the functional significance of the affected amino acid(s) is currently unknown. Missense variants that disrupt the 3'-5' exonuclease (proof-reading) activity of the POLE protein, while not abolishing its polymerase enzyme activity, are associated with an increased risk for colonic adenomatous polyps and colon cancer (PMID: 23263490, 23447401). Loss-of-function variants, which result in an absent or severely disrupted POLE protein, are therefore unlikely to be associated with disease. Without further clinical and genetic evidence, however, this variant has been classified as a Variant of Uncertain Significance.

Literature cited by the submitters: PubMed 23263490; PubMed 23447401.

NC_000012.11:g.(?_133263834)_(133263907_?)del

Gene: POLE (DNA polymerase epsilon, catalytic subunit; minus strand). Cytogenetic location: 12q24.33.
Variant type: Deletion.
Identifiers: ClinVar variation 473433 (VCV000473433.2).